The following is an entry in ClinVar:

ClinVar aggregate classification (germline): Uncertain significance (1 of 4 stars; one submission).

Submission:

GeneDx
Classification: Uncertain significance. Last evaluated: 2022-02-04. Review status: criteria provided, single submitter. Criteria: GeneDx Variant Classification Process June 2021. Collection method: clinical testing. Allele origin: germline. Affected: yes.
Comment: Not observed at significant frequency in large population cohorts (gnomAD); In silico analysis supports that this missense variant has a deleterious effect on protein structure/function; Has not been previously published as pathogenic or benign to our knowledge

NM_014669.5(NUP93):c.1001C>T (p.Ala334Val)

Gene: NUP93 (nucleoporin 93; plus strand). Cytogenetic location: 16q13.
Variant type: single nucleotide variant.
Coding change: c.1001C>T on transcript NM_014669.5 (MANE Select); coding-DNA position 1001, C replaced by T.
Protein change: p.Ala334Val; replaces alanine 334 with valine.
Molecular consequence: missense variant.
Genome position (GRCh38, 1-based): chr16:56,830,601, C>T. VCF-style: chr16-56830601-C-T. GRCh37 (hg19) VCF-style: chr16-56864513-C-T.
Other names: c.632C>T, p.Ala211Val (NM_001242795.2, NM_001242796.2); short protein forms A211V, A334V.
Identifiers: ClinVar variation 1700459 (VCV001700459.2), dbSNP rs1035912830, ClinGen allele CA281496188.